The following is an entry in ClinVar:

NM_182914.3(SYNE2):c.18009G>T (p.Trp6003Cys)

Gene: SYNE2 (spectrin repeat containing nuclear envelope protein 2; plus strand). Cytogenetic location: 14q23.2.
Variant type: single nucleotide variant.
Coding change: c.18009G>T on transcript NM_182914.3 (MANE Select); coding-DNA position 18009, G replaced by T.
Protein change: p.Trp6003Cys; replaces tryptophan 6003 with cysteine.
Molecular consequence: missense variant.
Genome position (GRCh38, 1-based): chr14:64,190,208, G>T. VCF-style: chr14-64190208-G-T. GRCh37 (hg19) VCF-style: chr14-64656926-G-T.
Other names: c.18009G>T, p.Trp6003Cys (NM_015180.6); short protein forms W6003C.
Identifiers: ClinVar variation 3685096 (VCV003685096.2).

ClinVar aggregate classification (germline): Uncertain significance (1 of 4 stars; one submission).

Conditions:
Emery-Dreifuss muscular dystrophy 5, autosomal dominant (EDMD5). Also called: EMERY-DREIFUSS MUSCULAR DYSTROPHY 5. Identifiers: Orphanet 261, MedGen C2751805, MONDO:0013072, OMIM 612999.

gnomAD v4.1: 2 of 1,613,880 alleles (0.00012%); highest among the groups gnomAD compares: Non-Finnish European, 0.00017%; no homozygotes.

Submission:

Labcorp Genetics (formerly Invitae), Labcorp
Classification: Uncertain significance for Emery-Dreifuss muscular dystrophy 5, autosomal dominant. Last evaluated: 2024-12-18. Review status: criteria provided, single submitter. Criteria: Invitae Variant Classification Sherloc (09022015). Collection method: clinical testing. Allele origin: germline.
Comment: This sequence change replaces tryptophan, which is neutral and slightly polar, with cysteine, which is neutral and slightly polar, at codon 6003 of the SYNE2 protein (p.Trp6003Cys). This variant is not present in population databases (gnomAD no frequency). This variant has not been reported in the literature in individuals affected with SYNE2-related conditions. An algorithm developed to predict the effect of missense changes on protein structure and function (PolyPhen-2) suggests that this variant is likely to be disruptive. In summary, the available evidence is currently insufficient to determine the role of this variant in disease. Therefore, it has been classified as a Variant of Uncertain Significance.